The following is an entry in ClinVar:

ClinVar aggregate classification (germline): Likely benign. Review status: criteria provided, multiple submitters, no conflicts (2 of 4 stars). 3 submissions from 3 submitters: Likely benign (3). Last evaluated 2025-06-29.

Conditions:
Cardiovascular phenotype. Identifiers: MedGen CN230736.
Dilated cardiomyopathy 1G (CMD1G). Identifiers: Orphanet 154, MedGen C1858763, MONDO:0011400, OMIM 604145.
Autosomal recessive limb-girdle muscular dystrophy type 2J (LGMDR10). Also called: Limb-girdle muscular dystrophy, type 2J; MUSCULAR DYSTROPHY, LIMB-GIRDLE, AUTOSOMAL RECESSIVE 10. Identifiers: Orphanet 140922, MedGen C1837342, MONDO:0012127, OMIM 608807.

Allele frequency attached by ClinVar (database versions not stated): gnomAD exomes 0.00001; TOPMed 0.00001.
gnomAD v4.1: 11 of 1,612,970 alleles (0.00068%); highest among the groups gnomAD compares: Non-Finnish European, 0.00085%; no homozygotes.

Submissions (3):

Labcorp Genetics (formerly Invitae), Labcorp
Classification: Likely benign for Dilated cardiomyopathy 1G; Autosomal recessive limb-girdle muscular dystrophy type 2J. Last evaluated: 2025-06-29. Review status: criteria provided, single submitter. Criteria: Invitae Variant Classification Sherloc (09022015). Collection method: clinical testing. Allele origin: germline.

Ambry Genetics
Classification: Likely benign for Cardiovascular phenotype. Last evaluated: 2024-11-02. Review status: criteria provided, single submitter. Criteria: Ambry Variant Classification Scheme 2023. Collection method: clinical testing. Allele origin: germline.

GeneDx
Classification: Likely benign. Last evaluated: 2017-01-23. Review status: criteria provided, single submitter. Criteria: GeneDx Variant Classification (06012015). Collection method: clinical testing. Allele origin: germline. Affected: yes.
Comment: This variant is considered likely benign or benign based on one or more of the following criteria: it is a conservative change, it occurs at a poorly conserved position in the protein, it is predicted to be benign by multiple in silico algorithms, and/or has population frequency not consistent with disease.

NM_001267550.2(TTN):c.55555A>C (p.Arg18519=)

Genes: TTN-AS1 (TTN antisense RNA 1; plus strand), TTN (titin; minus strand). Cytogenetic location: 2q31.2.
Variant type: single nucleotide variant.
Coding change: c.55555A>C on transcript NM_001267550.2 (MANE Select); coding-DNA position 55555, A replaced by C.
Protein change: p.Arg18519=; no amino-acid change (arginine 18519 retained).
Molecular consequence: synonymous variant.
Genome position (GRCh38, 1-based): chr2:178,601,442, T>G on the plus strand (A>C on the coding strand, the complement: TTN is on the minus strand). VCF-style: chr2-178601442-T-G. GRCh37 (hg19) VCF-style: chr2-179466169-T-G.
Other names: c.50632A>C, p.Arg16878= (NM_001256850.1); c.28360A>C, p.Arg9454= (NM_003319.4); c.47851A>C, p.Arg15951= (NM_133378.4); c.28735A>C, p.Arg9579= (NM_133432.3); c.28936A>C, p.Arg9646= (NM_133437.4).
Identifiers: ClinVar variation 506900 (VCV000506900.11), dbSNP rs879182051, ClinGen allele CA60977855.